The following is an entry in ClinVar:

NM_147127.5(EVC2):c.706+6A>G

Gene: EVC2 (EvC ciliary complex subunit 2; minus strand). Cytogenetic location: 4p16.2.
Variant type: single nucleotide variant.
Coding change: c.706+6A>G on transcript NM_147127.5 (MANE Select); 6 bases into the intron after coding-DNA position 706, A replaced by G.
Molecular consequence: intron variant.
Genome position (GRCh38, 1-based): chr4:5,689,151, T>C on the plus strand (A>G on the coding strand, the complement: EVC2 is on the minus strand). VCF-style: chr4-5689151-T-C. GRCh37 (hg19) VCF-style: chr4-5690878-T-C.
Other names: c.466+6A>G (NM_001166136.2).
Identifiers: ClinVar variation 2086622 (VCV002086622.1), dbSNP rs1263412688, ClinGen allele CA549707419.

ClinVar aggregate classification (germline): Uncertain significance (1 of 4 stars; one submission).

Conditions:
Curry-Hall syndrome (WAD). Also called: WEYERS ACRODENTAL DYSOSTOSIS. Identifiers: Orphanet 952, MedGen C0457013, MONDO:0008673, OMIM 193530.
Ellis-van Creveld syndrome (EVC). Also called: EVC2-Related Ellis-van Creveld Syndrome; EVC-Related Ellis-van Creveld Syndrome; Chondroectodermal dysplasia; MESOECTODERMAL DYSPLASIA. Identifiers: Orphanet 289, MedGen C0013903, MONDO:0009162, OMIM 225500.

Allele frequency attached by ClinVar (database versions not stated): gnomAD exomes below 0.00001.
gnomAD v4.1: 1 of 1,614,108 alleles (0.000062%); highest among the groups gnomAD compares: Non-Finnish European, 0.000085%; no homozygotes.

Submission:

Labcorp Genetics (formerly Invitae), Labcorp
Classification: Uncertain significance for Curry-Hall syndrome; Ellis-van Creveld syndrome. Last evaluated: 2022-01-17. Review status: criteria provided, single submitter. Criteria: Invitae Variant Classification Sherloc (09022015). Collection method: clinical testing. Allele origin: germline.
Comment: This sequence change falls in intron 5 of the EVC2 gene. It does not directly change the encoded amino acid sequence of the EVC2 protein. It affects a nucleotide within the consensus splice site. This variant is not present in population databases (gnomAD no frequency). This variant has not been reported in the literature in individuals affected with EVC2-related conditions. Variants that disrupt the consensus splice site are a relatively common cause of aberrant splicing (PMID: 17576681, 9536098). Algorithms developed to predict the effect of sequence changes on RNA splicing suggest that this variant is not likely to affect RNA splicing. In summary, the available evidence is currently insufficient to determine the role of this variant in disease. Therefore, it has been classified as a Variant of Uncertain Significance.

Literature cited by the submitters: PubMed 17576681; PubMed 9536098.